The following is an entry in ClinVar:

NM_201384.3(PLEC):c.12929G>A (p.Arg4310Gln)

Gene: PLEC (plectin; minus strand). Cytogenetic location: 8q24.3.
Variant type: single nucleotide variant.
Coding change: c.12929G>A on transcript NM_201384.3 (MANE Select); coding-DNA position 12929, G replaced by A.
Protein change: p.Arg4310Gln; replaces arginine 4310 with glutamine.
Molecular consequence: missense variant.
Genome position (GRCh38, 1-based): chr8:143,916,892, C>T on the plus strand (G>A on the coding strand, the complement: PLEC is on the minus strand). VCF-style: chr8-143916892-C-T. GRCh37 (hg19) VCF-style: chr8-144991060-C-T.
Other names: c.13010G>A, p.Arg4337Gln (NM_000445.5); c.9629G>A, p.Arg3210Gln (NM_001410941.1); c.12887G>A, p.Arg4296Gln (NM_201378.4); c.12863G>A, p.Arg4288Gln (NM_201379.3); c.13340G>A, p.Arg4447Gln (NM_201380.4); c.12833G>A, p.Arg4278Gln (NM_201381.3); c.12929G>A, p.Arg4310Gln (NM_201382.4); c.12941G>A, p.Arg4314Gln (NM_201383.3); short protein forms R4278Q, R4288Q, R4314Q, R4337Q, R4447Q, R4310Q, R3210Q, R4296Q.
Identifiers: ClinVar variation 2154974 (VCV002154974.4), dbSNP rs1185762348, ClinGen allele CA372477891.

ClinVar aggregate classification (germline): Uncertain significance (1 of 4 stars; one submission).

Conditions:
Epidermolysis bullosa simplex with nail dystrophy (EBS5D). Identifiers: MedGen C4225309, MONDO:0014661, OMIM 616487.
Epidermolysis bullosa simplex 5B, with muscular dystrophy (EBS5B). Also called: EPIDERMOLYSIS BULLOSA SIMPLEX AND LIMB-GIRDLE MUSCULAR DYSTROPHY; Epidermolysis bullosa simplex with muscular dystrophy. Identifiers: Orphanet 257, MedGen C2931072, MONDO:0009181, OMIM 226670.
Epidermolysis bullosa simplex, Ogna type (EBS5A). Also called: Pidermolysis bullosa simplex 5A, Ogna type; EPIDERMOLYSIS BULLOSA SIMPLEX 5A, OGNA TYPE. Identifiers: Orphanet 79401, MedGen C0432317, MONDO:0007555, OMIM 131950.
Autosomal recessive limb-girdle muscular dystrophy type 2Q (LGMDR17). Also called: MUSCULAR DYSTROPHY, LIMB-GIRDLE, AUTOSOMAL RECESSIVE 17. Identifiers: Orphanet 254361, MedGen C3150989, MONDO:0013390, OMIM 613723.
Epidermolysis bullosa simplex 5C, with pyloric atresia (EBS5C). Also called: Epidermolysis bullosa simplex with pyloric atresia; PLEC-Related Epidermolysis Bullosa with Pyloric Atresia; PLEC1-Related Epidermolysis Bullosa with Pyloric Atresia. Identifiers: Orphanet 158684, MedGen C2677349, MONDO:0012807, OMIM 612138.

Allele frequency attached by ClinVar (database versions not stated): gnomAD exomes 0.00001; gnomAD 0.00002; TOPMed 0.00002.
gnomAD v4.1: 11 of 1,612,544 alleles (0.00068%); highest among the groups gnomAD compares: African/African-American, 0.004%; no homozygotes.

Submission:

Labcorp Genetics (formerly Invitae), Labcorp
Classification: Uncertain significance for Autosomal recessive limb-girdle muscular dystrophy type 2Q; Epidermolysis bullosa simplex, Ogna type; Epidermolysis bullosa simplex with nail dystrophy; Epidermolysis bullosa simplex 5C, with pyloric atresia; Epidermolysis bullosa simplex 5B, with muscular dystrophy. Last evaluated: 2025-05-13. Review status: criteria provided, single submitter. Criteria: Invitae Variant Classification Sherloc (09022015). Collection method: clinical testing. Allele origin: germline.
Comment: This sequence change replaces arginine, which is basic and polar, with glutamine, which is neutral and polar, at codon 4337 of the PLEC protein (p.Arg4337Gln). This variant is present in population databases (no rsID available, gnomAD 0.01%). This variant has not been reported in the literature in individuals affected with PLEC-related conditions. ClinVar contains an entry for this variant (Variation ID: 2154974). Invitae Evidence Modeling of protein sequence and biophysical properties (such as structural, functional, and spatial information, amino acid conservation, physicochemical variation, residue mobility, and thermodynamic stability) has been performed for this missense variant. However, the output from this modeling did not meet the statistical confidence thresholds required to predict the impact of this variant on PLEC protein function. In summary, the available evidence is currently insufficient to determine the role of this variant in disease. Therefore, it has been classified as a Variant of Uncertain Significance.